The following is an entry in ClinVar:

NM_001367823.1(ARHGEF18):c.1855+6C>A

Gene: ARHGEF18 (Rho/Rac guanine nucleotide exchange factor 18; plus strand). Cytogenetic location: 19p13.2.
Variant type: single nucleotide variant.
Coding change: c.1855+6C>A on transcript NM_001367823.1 (MANE Select); 6 bases into the intron after coding-DNA position 1855, C replaced by A.
Molecular consequence: intron variant.
Genome position (GRCh38, 1-based): chr19:7,451,272, C>A. VCF-style: chr19-7451272-C-A. GRCh37 (hg19) VCF-style: chr19-7516158-C-A.
Other names: c.817+6C>A (NM_001367824.1, NM_015318.4); c.1129+6C>A (NM_001130955.2).
Identifiers: ClinVar variation 1428178 (VCV001428178.6), dbSNP rs1037763099, ClinGen allele CA2573155876.

ClinVar aggregate classification (germline): Uncertain significance (1 of 4 stars; one submission).

Submission:

Labcorp Genetics (formerly Invitae), Labcorp
Classification: Uncertain significance. Last evaluated: 2022-07-06. Review status: criteria provided, single submitter. Criteria: Invitae Variant Classification Sherloc (09022015). Collection method: clinical testing. Allele origin: germline.
Comment: ClinVar contains an entry for this variant (Variation ID: 1428178). In summary, the available evidence is currently insufficient to determine the role of this variant in disease. Therefore, it has been classified as a Variant of Uncertain Significance. Variants that disrupt the consensus splice site are a relatively common cause of aberrant splicing (PMID: 17576681, 9536098). Algorithms developed to predict the effect of sequence changes on RNA splicing suggest that this variant is not likely to affect RNA splicing. This variant has not been reported in the literature in individuals affected with ARHGEF18-related conditions. This variant is not present in population databases (gnomAD no frequency). This sequence change falls in intron 6 of the ARHGEF18 gene. It does not directly change the encoded amino acid sequence of the ARHGEF18 protein. It affects a nucleotide within the consensus splice site.

Literature cited by the submitters: PubMed 17576681; PubMed 9536098.